The following is an entry in ClinVar:

ClinVar aggregate classification (germline): Pathogenic (1 of 4 stars; one submission).

Conditions:
Neurofibromatosis, type 1 (NF1). Also called: Neurofibromatosis, type I; VON RECKLINGHAUSEN DISEASE; NEUROFIBROMATOSIS, TYPE I, SOMATIC; Peripheral type neurofibromatosis. Identifiers: Orphanet 636, MedGen C0027831, MONDO:0018975, OMIM 162200. Disease mechanism: loss of function.

Submission:

Labcorp Genetics (formerly Invitae), Labcorp
Classification: Pathogenic for Neurofibromatosis, type 1. Last evaluated: 2025-12-09. Review status: criteria provided, single submitter. Criteria: Invitae Variant Classification Sherloc (09022015). Collection method: clinical testing. Allele origin: germline.
Comment: This sequence change creates a premature translational stop signal (p.Lys480Ilefs*17) in the NF1 gene. It is expected to result in an absent or disrupted protein product. Loss-of-function variants in NF1 are known to be pathogenic (PMID: 10712197, 23913538). This variant is not present in population databases (gnomAD no frequency). This variant has not been reported in the literature in individuals affected with NF1-related conditions. ClinVar contains an entry for this variant (Variation ID: 1453434). For these reasons, this variant has been classified as Pathogenic.

Literature cited by the submitters: PubMed 10712197; PubMed 23913538.

NM_001042492.3(NF1):c.1439_1442del (p.Lys480fs)

Gene: NF1 (neurofibromin 1; plus strand). Cytogenetic location: 17q11.2.
Variant type: Deletion.
Coding change: c.1439_1442del on transcript NM_001042492.3 (MANE Select); coding-DNA positions 1439 to 1442, 4 bases deleted (AACC; older notation c.1439_1442delAACC).
Protein change: p.Lys480fs; shifts the reading frame from lysine 480.
Molecular consequence: frameshift variant.
Genome position (GRCh38, 1-based): chr17:31,214,497-31,214,500, AACC deleted. VCF-style (leftmost placement, unchanged base first): chr17-31214496-AAACC-A. GRCh37 (hg19) VCF-style: chr17-29541514-AAACC-A.
Other names: c.1439_1442delAACC, p.Lys480Ilefs (NM_000267.4); c.1439_1442del, p.Lys480fs (NM_001128147.3); short protein forms K480fs.
Identifiers: ClinVar variation 1453434 (VCV001453434.6), dbSNP rs2143959220, ClinGen allele CA2573153633.